The following is an entry in ClinVar:

ClinVar aggregate classification (germline): Uncertain significance. Review status: criteria provided, multiple submitters, no conflicts (2 of 4 stars). 2 submissions from 2 submitters: Uncertain significance (2). Last evaluated 2024-10-04.

Conditions:
Inborn genetic diseases. Identifiers: MedGen C0950123, MeSH D030342.
CACNA1H-related disorder.

Submissions (2):

Ambry Genetics
Classification: Uncertain significance for Inborn genetic diseases. Last evaluated: 2024-10-04. Review status: criteria provided, single submitter. Criteria: Ambry Variant Classification Scheme 2023. Collection method: clinical testing. Allele origin: germline.

PreventionGenetics, part of Exact Sciences
Classification: Uncertain significance for CACNA1H-related condition. Last evaluated: 2022-12-08. Review status: criteria provided, single submitter. Criteria: ACMG Guidelines, 2015. Collection method: clinical testing. Allele origin: germline.
Comment: The CACNA1H c.3203G>A variant is predicted to result in the amino acid substitution p.Gly1068Glu. To our knowledge, this variant has not been reported in the literature or in a large population database, indicating this variant is rare. At this time, the clinical significance of this variant is uncertain due to the absence of conclusive functional and genetic evidence.

NM_021098.3(CACNA1H):c.3203G>A (p.Gly1068Glu)

Gene: CACNA1H (calcium voltage-gated channel subunit alpha1 H; plus strand). Cytogenetic location: 16p13.3.
Variant type: single nucleotide variant.
Coding change: c.3203G>A on transcript NM_021098.3 (MANE Select); coding-DNA position 3203, G replaced by A.
Protein change: p.Gly1068Glu; replaces glycine 1068 with glutamic acid.
Molecular consequence: missense variant.
Genome position (GRCh38, 1-based): chr16:1,208,061, G>A. VCF-style: chr16-1208061-G-A. GRCh37 (hg19) VCF-style: chr16-1258061-G-A.
Other names: c.3203G>A, p.Gly1068Glu (NM_001005407.2); short protein forms G1068E.
Identifiers: ClinVar variation 2635290 (VCV002635290.2), dbSNP rs2548685021, ClinGen allele CA394171837.